The following is an entry in ClinVar:

ClinVar aggregate classification (germline): Uncertain significance (1 of 4 stars; one submission).

Submission:

Labcorp Genetics (formerly Invitae), Labcorp
Classification: Uncertain significance. Last evaluated: 2022-02-12. Review status: criteria provided, single submitter. Criteria: Invitae Variant Classification Sherloc (09022015). Collection method: clinical testing. Allele origin: germline.
Comment: This variant is not present in population databases (gnomAD no frequency). This variant has not been reported in the literature in individuals affected with TSFM-related conditions. Algorithms developed to predict the effect of missense changes on protein structure and function (SIFT, PolyPhen-2, Align-GVGD) all suggest that this variant is likely to be tolerated. In summary, the available evidence is currently insufficient to determine the role of this variant in disease. Therefore, it has been classified as a Variant of Uncertain Significance. This sequence change replaces lysine, which is basic and polar, with glutamine, which is neutral and polar, at codon 213 of the TSFM protein (p.Lys213Gln).

NM_005726.6(TSFM):c.574A>C (p.Lys192Gln)

Gene: TSFM (Ts translation elongation factor, mitochondrial; plus strand). Cytogenetic location: 12q14.1.
Variant type: single nucleotide variant.
Coding change: c.574A>C on transcript NM_005726.6 (MANE Select); coding-DNA position 574, A replaced by C.
Protein change: p.Lys192Gln; replaces lysine 192 with glutamine.
Molecular consequence: missense variant. On other transcripts: intron variant (1).
Genome position (GRCh38, 1-based): chr12:57,796,179, A>C. VCF-style: chr12-57796179-A-C. GRCh37 (hg19) VCF-style: chr12-58189962-A-C.
Other names: c.486A>C, p.Glu162Asp (NM_001172695.2); c.637A>C, p.Lys213Gln (NM_001172696.2); c.571+3106A>C (NM_001172697.2); short protein forms E162D, K192Q, K213Q.
Identifiers: ClinVar variation 2073611 (VCV002073611.4), dbSNP rs2540964811, ClinGen allele CA385529669.